The following is an entry in ClinVar:

NM_014639.4(SKIC3):c.3884A>G (p.Lys1295Arg)

Gene: SKIC3 (SKI3 subunit of superkiller complex; minus strand). Cytogenetic location: 5q15.
Variant type: single nucleotide variant.
Coding change: c.3884A>G on transcript NM_014639.4 (MANE Select); coding-DNA position 3884, A replaced by G.
Protein change: p.Lys1295Arg; replaces lysine 1295 with arginine.
Molecular consequence: missense variant.
Genome position (GRCh38, 1-based): chr5:95,490,955, T>C on the plus strand (A>G on the coding strand, the complement: SKIC3 is on the minus strand). VCF-style: chr5-95490955-T-C. GRCh37 (hg19) VCF-style: chr5-94826659-T-C.
Other names: short protein forms K1295R.
Identifiers: ClinVar variation 1900759 (VCV001900759.2), dbSNP rs1339484491, ClinGen allele CA360447750.

ClinVar aggregate classification (germline): Uncertain significance (1 of 4 stars; one submission).

Allele frequency attached by ClinVar (database versions not stated): gnomAD exomes below 0.00001; TOPMed 0.00001.
gnomAD v4.1: 2 of 1,614,152 alleles (0.00012%); highest among the groups gnomAD compares: Admixed American, 0.0017%; no homozygotes.

Submission:

Labcorp Genetics (formerly Invitae), Labcorp
Classification: Uncertain significance. Last evaluated: 2022-05-04. Review status: criteria provided, single submitter. Criteria: Invitae Variant Classification Sherloc (09022015). Collection method: clinical testing. Allele origin: germline.
Comment: This sequence change replaces lysine, which is basic and polar, with arginine, which is basic and polar, at codon 1295 of the TTC37 protein (p.Lys1295Arg). This variant is not present in population databases (gnomAD no frequency). This variant has not been reported in the literature in individuals affected with TTC37-related conditions. Algorithms developed to predict the effect of missense changes on protein structure and function output the following: SIFT: "Tolerated"; PolyPhen-2: "Benign"; Align-GVGD: "Class C0". The arginine amino acid residue is found in multiple mammalian species, which suggests that this missense change does not adversely affect protein function. In summary, the available evidence is currently insufficient to determine the role of this variant in disease. Therefore, it has been classified as a Variant of Uncertain Significance.